The following is an entry in ClinVar:

ClinVar aggregate classification (germline): Uncertain significance (1 of 4 stars; one submission).

Conditions:
Generalized epilepsy-paroxysmal dyskinesia syndrome (PNKD3). Also called: Generalized epilepsy and paroxysmal dyskinesia; Paroxysmal nonkinesigenic dyskinesia, 3, with or without generalized epilepsy. Identifiers: Orphanet 79137, MedGen C5574945, MONDO:0012276, OMIM 609446.

Allele frequency attached by ClinVar (database versions not stated): ExAC 0.00005.
gnomAD v4.1: 6 of 1,601,614 alleles (0.00037%); highest among the groups gnomAD compares: Admixed American, 0.01%; no homozygotes.

Submission:

Labcorp Genetics (formerly Invitae), Labcorp
Classification: Uncertain significance for Generalized epilepsy-paroxysmal dyskinesia syndrome. Last evaluated: 2025-09-15. Review status: criteria provided, single submitter. Criteria: Invitae Variant Classification Sherloc (09022015). Collection method: clinical testing. Allele origin: germline.
Comment: This sequence change falls in intron 1 of the KCNMA1 gene. It does not directly change the encoded amino acid sequence of the KCNMA1 protein. It affects a nucleotide within the consensus splice site. This variant is present in population databases (rs757766830, gnomAD 0.01%). This variant has not been reported in the literature in individuals affected with KCNMA1-related conditions. ClinVar contains an entry for this variant (Variation ID: 1365305). Variants that disrupt the consensus splice site are a relatively common cause of aberrant splicing (PMID: 17576681, 9536098). Algorithms developed to predict the effect of sequence changes on RNA splicing suggest that this variant is not likely to affect RNA splicing. In summary, the available evidence is currently insufficient to determine the role of this variant in disease. Therefore, it has been classified as a Variant of Uncertain Significance.

Literature cited by the submitters: PubMed 17576681; PubMed 9536098.

NM_001161352.2(KCNMA1):c.378+5C>G

Gene: KCNMA1 (potassium calcium-activated channel subfamily M alpha 1; minus strand). Cytogenetic location: 10q22.3.
Variant type: single nucleotide variant.
Coding change: c.378+5C>G on transcript NM_001161352.2 (MANE Select); 5 bases into the intron after coding-DNA position 378, C replaced by G.
Molecular consequence: intron variant.
Genome position (GRCh38, 1-based): chr10:77,637,260, G>C on the plus strand (C>G on the coding strand, the complement: KCNMA1 is on the minus strand). VCF-style: chr10-77637260-G-C. GRCh37 (hg19) VCF-style: chr10-79397018-G-C.
Other names: c.378+5C>G (NM_001271518.2, NM_001322832.2, NM_001322829.2 and 12 more transcripts).
Identifiers: ClinVar variation 1365305 (VCV001365305.6), dbSNP rs757766830, ClinGen allele CA5568758.